The following is an entry in ClinVar:

NM_001382430.1(AKT1):c.200_235dup (p.Leu78_Gln79insArgProArgProAsnThrPheIleIleArgCysLeu)

Gene: AKT1 (AKT serine/threonine kinase 1; minus strand). Cytogenetic location: 14q32.33.
Variant type: Duplication.
Coding change: c.200_235dup on transcript NM_001382430.1 (MANE Select); coding-DNA positions 200 to 235, 36 bases duplicated.
Protein change: p.Leu78_Gln79insArgProArgProAsnThrPheIleIleArgCysLeu.
Genome position (GRCh38, 1-based): chr14:104,776,711-104,776,746, 36 bases duplicated; duplicating any 36 consecutive bases within chr14:104,776,711-104,776,748 gives the same sequence; the c. name uses the placement nearest the transcript's 3' end. GRCh37 (hg19): chr14:105,243,050-105,243,085.
Other names: c.200_235dup, p.Leu78_Gln79insArgProArgProAsnThrPheIleIleArgCysLeu (NM_001014431.2, NM_001014432.2, NM_001382431.1 and 3 more transcripts).
Identifiers: ClinVar variation 4530181 (VCV004530181.1).
Genomic context (GRCh38, chr14:104,776,710, plus strand): 5'-CCCACGTACCGCTCCTCAGGAGTCTCCACATGGAAGGTGCGTTCGATGACAGTGGTCCAC[T>TGCAGGCAGCGGATGATGAAGGTGTTGGGCCGGGGCC]GCAGGCAGCGGATGATGAAGGTGTTGGGCCGGGGCCGCTCCGTCTTCATCAGCTGGCACT-3'

ClinVar aggregate classification (somatic clinical impact): Tier I - Strong (1 of 4 stars; one submission).

Conditions:
Juvenile type testicular granulosa cell tumor. Identifiers: MedGen C1515285, MONDO:0003741, HP:0034380.

Submission:

Institute for Genomic Medicine (IGM) Clinical Laboratory, Nationwide Children's Hospital
Classification: Tier I - Strong for Juvenile type testicular granulosa cell tumor. Assertion type: diagnostic. Clinical significance: supports diagnosis. Last evaluated: 2023-11-15. Review status: criteria provided, single submitter. Criteria: AMP/ASCO/CAP Guidelines, 2017. Collection method: clinical testing. Allele origin: somatic. Affected: yes.
Comment: Variant has Tier I (strong) clinical significance as a diagnostic inclusion criterion in juvenile type testicular granulosa cell tumor, based on the following evidence: 1) Documented in one or more cancer databases (e.g., St. Jude Pecan, COSMIC, CIViC, OncoKB). 2) Appears in one or more well-established professional guidelines (e.g., World Health Organization [WHO]; National Comprehensive Cancer Network [NCCN]) as providing diagnostic, prognostic, or therapeutic information. 3) Information in the literature supports potential biologic effect of variant (PMID: 26137586). 4) Diagnostic for a specific tumor type/classification based on well-powered studies with expert-level consensus (Evidence Level B; PMIDs: 26137586, 35031544, 26362254).

Literature cited by the submitters: PubMed 26137586; PubMed 35031544; PubMed 26362254.